The following is an entry in ClinVar:

NM_001353345.2(SETD1B):c.2071C>A (p.Pro691Thr)

Gene: SETD1B (SET domain containing 1B, histone lysine methyltransferase; plus strand). Cytogenetic location: 12q24.31.
Variant type: single nucleotide variant.
Coding change: c.2071C>A on transcript NM_001353345.2 (MANE Select); coding-DNA position 2071, C replaced by A.
Protein change: p.Pro691Thr; replaces proline 691 with threonine.
Molecular consequence: missense variant.
Genome position (GRCh38, 1-based): chr12:121,814,286, C>A. VCF-style: chr12-121814286-C-A. GRCh37 (hg19) VCF-style: chr12-122252192-C-A.
Other names: short protein forms P691T.
Identifiers: ClinVar variation 2429062 (VCV002429062.4), dbSNP rs2500199390, ClinGen allele CA386993875.

ClinVar aggregate classification (germline): Uncertain significance (1 of 4 stars; one submission).

Submission:

Greenwood Genetic Center Diagnostic Laboratories, Greenwood Genetic Center
Classification: Uncertain significance. Last evaluated: 2022-10-11. Review status: criteria provided, single submitter. Criteria: ACMG Guidelines, 2015. Collection method: clinical testing. Allele origin: germline. Affected: yes.
Comment: PM2, PP2